The following is an entry in ClinVar:

ClinVar aggregate classification (germline): Benign/Likely benign. Review status: criteria provided, multiple submitters, no conflicts (2 of 4 stars). 3 submissions from 3 submitters: Benign (1); Likely benign (2). Last evaluated 2025-02-18.

Conditions:
Hereditary cancer-predisposing syndrome. Also called: Tumor predisposition; Neoplastic Syndromes, Hereditary; Hereditary Cancer Syndrome; Hereditary neoplastic syndrome. Identifiers: Orphanet 140162, MedGen C0027672, MeSH D009386, MONDO:0015356.
Fanconi anemia complementation group O. Also called: RAD51C-Related Fanconi Anemia. Identifiers: Orphanet 84, MedGen C3150653, MONDO:0013248, OMIM 613390.
Breast-ovarian cancer, familial, susceptibility to, 3. Also called: RAD51C-Related Breast/Ovarian Cancer. Identifiers: Orphanet 145, MedGen C3150659, MONDO:0013253, OMIM 613399.

Submissions (3):

Myriad Genetics, Inc.
Classification: Benign for Breast-ovarian cancer, familial, susceptibility to, 3. Last evaluated: 2025-02-18. Review status: criteria provided, single submitter. Criteria: Myriad Autosomal Dominant, Autosomal Recessive and X-Linked Classification Criteria (2023). Collection method: clinical testing. Allele origin: unknown.
Comment: This variant is considered benign. This variant is a silent/synonymous amino acid change and it is not expected to impact splicing.

Ambry Genetics
Classification: Likely benign for Hereditary cancer-predisposing syndrome. Last evaluated: 2020-07-07. Review status: criteria provided, single submitter. Criteria: Ambry Variant Classification Scheme 2023. Collection method: clinical testing. Allele origin: germline.

Labcorp Genetics (formerly Invitae), Labcorp
Classification: Likely benign for Fanconi anemia complementation group O. Last evaluated: 2019-08-06. Review status: criteria provided, single submitter. Criteria: Invitae Variant Classification Sherloc (09022015). Collection method: clinical testing. Allele origin: germline.

NM_058216.3(RAD51C):c.564G>A (p.Lys188=)

Gene: RAD51C (RAD51 paralog C; plus strand). Cytogenetic location: 17q22.
Variant type: single nucleotide variant.
Coding change: c.564G>A on transcript NM_058216.3 (MANE Select); coding-DNA position 564, G replaced by A.
Protein change: p.Lys188=; no amino-acid change (lysine 188 retained).
Molecular consequence: synonymous variant.
Genome position (GRCh38, 1-based): chr17:58,696,852, G>A. VCF-style: chr17-58696852-G-A. GRCh37 (hg19) VCF-style: chr17-56774213-G-A.
Identifiers: ClinVar variation 471446 (VCV000471446.15), dbSNP rs876658264, ClinGen allele CA501075089.